The following is an entry in ClinVar:

NM_001136191.3(KANK2):c.1616C>T (p.Pro539Leu)

Gene: KANK2 (KN motif and ankyrin repeat domains 2; minus strand). Cytogenetic location: 19p13.2.
Variant type: single nucleotide variant.
Coding change: c.1616C>T on transcript NM_001136191.3 (MANE Select); coding-DNA position 1616, C replaced by T.
Protein change: p.Pro539Leu; replaces proline 539 with leucine.
Molecular consequence: missense variant.
Genome position (GRCh38, 1-based): chr19:11,176,722, G>A on the plus strand (C>T on the coding strand, the complement: KANK2 is on the minus strand). VCF-style: chr19-11176722-G-A. GRCh37 (hg19) VCF-style: chr19-11287398-G-A.
Other names: c.1616C>T, p.Pro539Leu (NM_001329451.2, NM_001379555.1, NM_001379556.1 and 7 more transcripts); c.1640C>T, p.Pro547Leu (NM_001379548.1, NM_001379549.1, NM_001379550.1 and 5 more transcripts); c.1640C>T (NM_015493.6); short protein forms P539L, P547L.
Identifiers: ClinVar variation 2187637 (VCV002187637.5), dbSNP rs767837335, ClinGen allele CA9205586.

ClinVar aggregate classification (germline): Uncertain significance. Review status: criteria provided, multiple submitters, no conflicts (2 of 4 stars). 2 submissions from 2 submitters: Uncertain significance (2). Last evaluated 2025-09-05.

Allele frequency attached by ClinVar (database versions not stated): gnomAD exomes 0.00001; TOPMed 0.00003; ExAC 0.00006; gnomAD 0.00006.

Submissions (2):

Ambry Genetics
Classification: Uncertain significance. Last evaluated: 2025-09-05. Review status: criteria provided, single submitter. Criteria: Ambry Variant Classification Scheme 2023. Collection method: clinical testing. Allele origin: germline.

Labcorp Genetics (formerly Invitae), Labcorp
Classification: Uncertain significance. Last evaluated: 2022-07-09. Review status: criteria provided, single submitter. Criteria: Invitae Variant Classification Sherloc (09022015). Collection method: clinical testing. Allele origin: germline.
Comment: Algorithms developed to predict the effect of missense changes on protein structure and function output the following: SIFT: "Tolerated"; PolyPhen-2: "Benign"; Align-GVGD: "Class C0". The leucine amino acid residue is found in multiple mammalian species, which suggests that this missense change does not adversely affect protein function. In summary, the available evidence is currently insufficient to determine the role of this variant in disease. Therefore, it has been classified as a Variant of Uncertain Significance. This variant has not been reported in the literature in individuals affected with KANK2-related conditions. This variant is present in population databases (rs767837335, gnomAD 0.02%). This sequence change replaces proline, which is neutral and non-polar, with leucine, which is neutral and non-polar, at codon 539 of the KANK2 protein (p.Pro539Leu).